The following is an entry in ClinVar:

ClinVar aggregate classification (germline): Uncertain significance (1 of 4 stars; one submission).

gnomAD v4.1: 1 of 1,614,184 alleles (0.000062%); highest among the groups gnomAD compares: Non-Finnish European, 0.000085%; no homozygotes.

Submission:

GeneDx
Classification: Uncertain significance. Last evaluated: 2025-06-18. Review status: criteria provided, single submitter. Criteria: GeneDx Variant Classification Process June 2021. Collection method: clinical testing. Allele origin: germline. Affected: yes.
Comment: Not observed at significant frequency in large population cohorts (gnomAD); In silico analysis supports that this missense variant has a deleterious effect on protein structure/function; Has not been previously published as pathogenic or benign to our knowledge

NM_001278716.2(FBXL4):c.188C>T (p.Ser63Phe)

Gene: FBXL4 (F-box and leucine rich repeat protein 4; minus strand). Cytogenetic location: 6q16.2.
Variant type: single nucleotide variant.
Coding change: c.188C>T on transcript NM_001278716.2 (MANE Select); coding-DNA position 188, C replaced by T.
Protein change: p.Ser63Phe; replaces serine 63 with phenylalanine.
Molecular consequence: missense variant. On other transcripts: non-coding transcript variant (2).
Genome position (GRCh38, 1-based): chr6:98,926,801, G>A on the plus strand (C>T on the coding strand, the complement: FBXL4 is on the minus strand). VCF-style: chr6-98926801-G-A. GRCh37 (hg19) VCF-style: chr6-99374677-G-A.
Other names: c.188C>T, p.Ser63Phe (NM_012160.5); short protein forms S63F.
Identifiers: ClinVar variation 1254731 (VCV001254731.4), dbSNP rs2128405628, ClinGen allele CA365090900.